The following is an entry in ClinVar:

ClinVar aggregate classification (germline): Uncertain significance (1 of 4 stars; one submission).

Submission:

GeneDx
Classification: Uncertain significance. Last evaluated: 2024-05-15. Review status: criteria provided, single submitter. Criteria: GeneDx Variant Classification Process June 2021. Collection method: clinical testing. Allele origin: germline. Affected: yes.
Comment: Not observed at significant frequency in large population cohorts (gnomAD); Has not been previously published as pathogenic or benign to our knowledge; Frameshift variant predicted to result in abnormal protein length as the last 31 amino acids are replaced with 30 different amino acids in a gene for which loss-of-function is not an established mechanism of disease

NM_002267.4(KPNA3):c.1472_1484del (p.Asp491fs)

Gene: KPNA3 (karyopherin subunit alpha 3; minus strand). Cytogenetic location: 13q14.2.
Variant type: Deletion.
Coding change: c.1472_1484del on transcript NM_002267.4 (MANE Select); coding-DNA positions 1472 to 1484, 13 bases deleted (ATGAAGATCCCTG).
Protein change: p.Asp491fs; shifts the reading frame from aspartic acid 491.
Molecular consequence: frameshift variant.
Genome position (GRCh38, 1-based): chr13:49,701,882-49,701,894, CAGGGATCTTCAT deleted on the plus strand (ATGAAGATCCCTG on the coding strand, the reverse complement: KPNA3 is on the minus strand); deleting any 13 consecutive bases within chr13:49,701,882-49,701,896 gives the same sequence; the c. name uses the placement nearest the transcript's 3' end. VCF-style (leftmost placement, unchanged base first): chr13-49701881-GCAGGGATCTTCAT-G. GRCh37 (hg19) VCF-style: chr13-50276017-GCAGGGATCTTCAT-G.
Other names: short protein forms D491fs.
Identifiers: ClinVar variation 3381558 (VCV003381558.1).